The following is an entry in ClinVar:

NM_004341.5(CAD):c.2171G>A (p.Gly724Glu)

Gene: CAD (carbamoyl-phosphate synthetase 2, aspartate transcarbamylase, and dihydroorotase; plus strand). Cytogenetic location: 2p23.3.
Variant type: single nucleotide variant.
Coding change: c.2171G>A on transcript NM_004341.5 (MANE Select); coding-DNA position 2171, G replaced by A.
Protein change: p.Gly724Glu; replaces glycine 724 with glutamic acid.
Molecular consequence: missense variant.
Genome position (GRCh38, 1-based): chr2:27,226,846, G>A. VCF-style: chr2-27226846-G-A. GRCh37 (hg19) VCF-style: chr2-27449714-G-A.
Other names: c.1982G>A, p.Gly661Glu (NM_001306079.2); c.2171G>A (NM_004341.3); short protein forms G661E, G724E.
Identifiers: ClinVar variation 1331403 (VCV001331403.7), dbSNP rs777961046, ClinGen allele CA346208283.

ClinVar aggregate classification (germline): Uncertain significance. Review status: criteria provided, multiple submitters, no conflicts (2 of 4 stars). 3 submissions from 3 submitters: Uncertain significance (3). Last evaluated 2025-03-26.

Conditions:
Inborn genetic diseases. Identifiers: MedGen C0950123, MeSH D030342.

Allele frequency attached by ClinVar (database versions not stated): gnomAD 0.00001.
gnomAD v4.1: 5 of 1,614,054 alleles (0.00031%); highest among the groups gnomAD compares: East Asian, 0.0022%; no homozygotes.

Submissions (3):

Ambry Genetics
Classification: Uncertain significance for Inborn genetic diseases. Last evaluated: 2025-03-26. Review status: criteria provided, single submitter. Criteria: Ambry Variant Classification Scheme 2023. Collection method: clinical testing. Allele origin: germline.

Labcorp Genetics (formerly Invitae), Labcorp
Classification: Uncertain significance. Last evaluated: 2022-02-02. Review status: criteria provided, single submitter. Criteria: Invitae Variant Classification Sherloc (09022015). Collection method: clinical testing. Allele origin: germline.
Comment: This variant has not been reported in the literature in individuals affected with CAD-related conditions. In summary, the available evidence is currently insufficient to determine the role of this variant in disease. Therefore, it has been classified as a Variant of Uncertain Significance. Algorithms developed to predict the effect of missense changes on protein structure and function (SIFT, PolyPhen-2, Align-GVGD) all suggest that this variant is likely to be tolerated. ClinVar contains an entry for this variant (Variation ID: 1331403). The frequency data for this variant in the population databases is considered unreliable, as metrics indicate poor data quality at this position in the gnomAD database. This sequence change replaces glycine, which is neutral and non-polar, with glutamic acid, which is acidic and polar, at codon 724 of the CAD protein (p.Gly724Glu).

Women's Health and Genetics/Laboratory Corporation of America, LabCorp
Classification: Uncertain significance. Last evaluated: 2021-12-14. Review status: criteria provided, single submitter. Criteria: LabCorp Variant Classification Summary - May 2015. Collection method: clinical testing. Allele origin: germline.